The following is an entry in ClinVar:

NM_003482.4(KMT2D):c.7818G>A (p.Gly2606=)

Gene: KMT2D (lysine methyltransferase 2D; minus strand). Cytogenetic location: 12q13.12.
Variant type: single nucleotide variant.
Coding change: c.7818G>A on transcript NM_003482.4 (MANE Select); coding-DNA position 7818, G replaced by A.
Protein change: p.Gly2606=; no amino-acid change (glycine 2606 retained).
Molecular consequence: synonymous variant.
Genome position (GRCh38, 1-based): chr12:49,039,952, C>T on the plus strand (G>A on the coding strand, the complement: KMT2D is on the minus strand). VCF-style: chr12-49039952-C-T. GRCh37 (hg19) VCF-style: chr12-49433735-C-T.
Identifiers: ClinVar variation 3043973 (VCV003043973.3), dbSNP rs370261310, ClinGen allele CA479711357.

ClinVar aggregate classification (germline): Likely benign. Review status: criteria provided, single submitter (1 of 4 stars). 2 submissions from 2 submitters: Likely benign (1). 1 of the submissions does not count toward it. Last evaluated 2026-01-23.

Conditions:
KMT2D-related disorder. Also called: KMT2D-Related Disorders.
Kabuki syndrome. Also called: NIIKAWA-KUROKI SYNDROME; Kabuki make-up syndrome. Identifiers: Orphanet 2322, MedGen C0796004, MONDO:0016512.

gnomAD v4.1: 1 of 1,613,894 alleles (0.000062%); highest among the groups gnomAD compares: Non-Finnish European, 0.000085%; no homozygotes.

Submissions (2):

Labcorp Genetics (formerly Invitae), Labcorp
Classification: Likely benign for Kabuki syndrome. Last evaluated: 2026-01-23. Review status: criteria provided, single submitter. Criteria: Invitae Variant Classification Sherloc (09022015). Collection method: clinical testing. Allele origin: germline.

PreventionGenetics, part of Exact Sciences
Classification: Likely benign for KMT2D-related condition. Last evaluated: 2022-12-06. Review status: no assertion criteria provided. Collection method: clinical testing. Allele origin: germline. Not counted in ClinVar's aggregate classification.
Comment: This variant is classified as likely benign based on ACMG/AMP sequence variant interpretation guidelines (Richards et al. 2015 PMID: 25741868, with internal and published modifications).